The following is an entry in ClinVar:

ClinVar aggregate classification (germline): Likely benign. Review status: criteria provided, multiple submitters, no conflicts (2 of 4 stars). 3 submissions from 3 submitters: Likely benign (3). Last evaluated 2026-09-10.

Conditions:
Hajdu-Cheney syndrome (HJCYS). Also called: Acroosteolysis dominant type; ACROOSTEOLYSIS WITH OSTEOPOROSIS AND CHANGES IN SKULL AND MANDIBLE; SERPENTINE FIBULA-POLYCYSTIC KIDNEY SYNDROME. Identifiers: Orphanet 955, MedGen C0917715, MONDO:0007057, OMIM 102500.
NOTCH2-related disorder. Also called: NOTCH2-related condition.

Allele frequency attached by ClinVar (database versions not stated): TOPMed below 0.00001; gnomAD 0.00001.
gnomAD v4.1: 8 of 1,613,926 alleles (0.0005%); highest among the groups gnomAD compares: Admixed American, 0.0017%; no homozygotes.

Submissions (3):

PreventionGenetics, part of Exact Sciences
Classification: Likely benign for NOTCH2-related condition. Last evaluated: 2026-09-10. Review status: criteria provided, single submitter. Criteria: ACMG Guidelines, 2015. Collection method: clinical testing. Allele origin: germline.
Comment: This variant is classified as likely benign based on ACMG/AMP sequence variant interpretation guidelines (Richards et al. 2015 PMID: 25741868, with internal and published modifications).

Labcorp Genetics (formerly Invitae), Labcorp
Classification: Likely benign for Hajdu-Cheney syndrome. Last evaluated: 2024-08-13. Review status: criteria provided, single submitter. Criteria: Invitae Variant Classification Sherloc (09022015). Collection method: clinical testing. Allele origin: germline.

CeGaT Center for Human Genetics Tuebingen
Classification: Likely benign. Last evaluated: 2024-02-01. Review status: criteria provided, single submitter. Criteria: CeGaT Center For Human Genetics Tuebingen Variant Classification Criteria Version 2. Collection method: clinical testing. Allele origin: germline. Affected: yes. Observed: 1 variant allele.
Comment: NOTCH2: BP4, BP7

NM_024408.4(NOTCH2):c.4077C>T (p.His1359=)

Gene: NOTCH2 (notch receptor 2; minus strand). Cytogenetic location: 1p12.
Variant type: single nucleotide variant.
Coding change: c.4077C>T on transcript NM_024408.4 (MANE Select); coding-DNA position 4077, C replaced by T.
Protein change: p.His1359=; no amino-acid change (histidine 1359 retained).
Molecular consequence: synonymous variant.
Genome position (GRCh38, 1-based): chr1:119,925,739, G>A on the plus strand (C>T on the coding strand, the complement: NOTCH2 is on the minus strand). VCF-style: chr1-119925739-G-A. GRCh37 (hg19) VCF-style: chr1-120468362-G-A.
Other names: c.4077C>T (NM_024408.3).
Identifiers: ClinVar variation 3002698 (VCV003002698.26), dbSNP rs1257579492, ClinGen allele CA420191387.